The following is an entry in ClinVar:

NM_030954.4(RNF170):c.562A>G (p.Met188Val)

Gene: RNF170 (ring finger protein 170; minus strand). Cytogenetic location: 8p11.21.
Variant type: single nucleotide variant.
Coding change: c.562A>G on transcript NM_030954.4 (MANE Select); coding-DNA position 562, A replaced by G.
Protein change: p.Met188Val; replaces methionine 188 with valine.
Molecular consequence: missense variant. On other transcripts: non-coding transcript variant (2), intron variant (1).
Genome position (GRCh38, 1-based): chr8:42,856,374, T>C on the plus strand (A>G on the coding strand, the complement: RNF170 is on the minus strand). VCF-style: chr8-42856374-T-C. GRCh37 (hg19) VCF-style: chr8-42711517-T-C.
Other names: c.397-5377A>G (NM_001160224.2); c.562A>G, p.Met188Val (NM_001160223.2); c.310A>G, p.Met104Val (NM_001160225.2); short protein forms M104V, M188V.
Identifiers: ClinVar variation 4086025 (VCV004086025.8).

ClinVar aggregate classification (germline): Benign (1 of 4 stars; one submission).

Submission:

CeGaT Center for Human Genetics Tuebingen
Classification: Benign. Last evaluated: 2026-07-01. Review status: criteria provided, single submitter. Criteria: CeGaT Center For Human Genetics Tuebingen Variant Classification Criteria Version 2. Collection method: clinical testing. Allele origin: germline. Affected: yes. Observed: 2 variant alleles.
Comment: RNF170: BS1, BS2